The following is an entry in ClinVar:

ClinVar aggregate classification (germline): Pathogenic (1 of 4 stars; one submission).

Conditions:
Neurofibromatosis, type 2 (SWNV). Also called: NF2-Related Schwannomatosis; BILATERAL ACOUSTIC NEUROFIBROMATOSIS; SCHWANNOMATOSIS, VESTIBULAR. Identifiers: Orphanet 637, MedGen C0027832, MONDO:0007039, OMIM 101000. Disease mechanism: loss of function.

Submission:

Labcorp Genetics (formerly Invitae), Labcorp
Classification: Pathogenic for Neurofibromatosis, type 2. Last evaluated: 2017-08-07. Review status: criteria provided, single submitter. Criteria: Invitae Variant Classification Sherloc (09022015). Collection method: clinical testing. Allele origin: germline.
Comment: This variant is an out-of-frame deletion of the genomic region encompassing exons 10-14 of the NF2 gene. This is expected to create a premature translational stop signal and result in an absent or disrupted protein product. This variant has not been reported in the literature in individuals with NF2-related disease. For these reasons, this variant has been classified as Pathogenic. Loss-of-function variants in NF2 are known to be pathogenic (PMID: 9643284, 16983642).

Literature cited by the submitters: PubMed 9643284; PubMed 16983642.

NC_000022.11:g.(?_29668327)_(29678329_?)del

Gene: NF2 (NF2, moesin-ezrin-radixin like (MERLIN) tumor suppressor; plus strand). Cytogenetic location: 22q12.2.
Variant type: Deletion.
Identifiers: ClinVar variation 527725 (VCV000527725.9).